The following is an entry in ClinVar:

ClinVar aggregate classification (germline): Likely pathogenic (1 of 4 stars; one submission).

Conditions:
Congenital hyperammonemia, type I. Also called: Carbamoyl phosphate synthetase I deficiency disease; CPS I DEFICIENCY; Carbamoyl phosphate synthetase 1 deficiency; Hyperammonemia due to carbamoyl phosphate synthetase 1 deficiency; CPS 1 deficiency; Carbamyl phosphate synthetase (CPS) deficiency. Identifiers: Orphanet 147, MedGen C4082171, MONDO:0009376, OMIM 237300.

Submission:

Natera, Inc.
Classification: Likely pathogenic for Carbamoyl-phosphate synthase I deficiency. Last evaluated: 2024-09-04. Review status: criteria provided, single submitter. Criteria: Natera Variant Classification Schema (03/2026). Collection method: clinical testing. Allele origin: germline.
Comment: The c.1270A>T variant in CPS1 is a nonsense variant predicted to introduce a stop codon at amino acid 424. This variant is expected to result in nonsense mediated decay, truncation, or a dysfunctional protein product. This variant is rare in the general population with a frequency below the threshold expected for the associated phenotype(s). Given the available evidence, this variant is classified as Likely Pathogenic.

NM_001875.5(CPS1):c.1270A>T (p.Lys424Ter)

Gene: CPS1 (carbamoyl-phosphate synthase 1; plus strand). Cytogenetic location: 2q34.
Variant type: single nucleotide variant.
Coding change: c.1270A>T on transcript NM_001875.5 (MANE Select); coding-DNA position 1270, A replaced by T.
Protein change: p.Lys424Ter; replaces lysine 424 with a stop codon.
Molecular consequence: nonsense. On other transcripts: non-coding transcript variant (2).
Genome position (GRCh38, 1-based): chr2:210,595,493, A>T. VCF-style: chr2-210595493-A-T. GRCh37 (hg19) VCF-style: chr2-211460217-A-T.
Other names: c.1270A>T, p.Lys424Ter (NM_001122633.3, NM_001369257.1); c.1303A>T, p.Lys435Ter (NM_001369256.1); short protein forms K424*, K435*.
Identifiers: ClinVar variation 4814939 (VCV004814939.1).